The following is an entry in ClinVar:

ClinVar aggregate classification (germline): Benign. Review status: criteria provided, multiple submitters, no conflicts (2 of 4 stars). 5 submissions from 5 submitters: Benign (5). Last evaluated 2026-01-26.

Conditions:
Hereditary spastic paraplegia. Also called: Familial spastic paraparesis. Identifiers: Orphanet 685, MedGen C0037773, MONDO:0019064. Disease mechanism: loss of function.
Hereditary spastic paraplegia 50 (SPG50). Also called: Spastic paraplegia 50, autosomal recessive. Identifiers: Orphanet 280763, MedGen C2752008, MONDO:0013048, OMIM 612936.

Allele frequency attached by ClinVar (database versions not stated): ESP Exome Variant Server 0.44972; gnomAD 0.46041 and 0.47358; TOPMed 0.47017; 1000 Genomes Project 30x 0.52623; gnomAD exomes 0.53114 and 0.55763; 1000 Genomes Project 0.53714; ExAC 0.54558.
gnomAD v4.1: 848,778 of 1,613,518 alleles (53%); highest among the groups gnomAD compares: East Asian, 82%; 229,167 homozygotes.

Submissions (5):

Labcorp Genetics (formerly Invitae), Labcorp
Classification: Benign for Hereditary spastic paraplegia 50. Last evaluated: 2026-01-26. Review status: criteria provided, single submitter. Criteria: Invitae Variant Classification Sherloc (09022015). Collection method: clinical testing. Allele origin: germline.

Genome-Nilou Lab
Classification: Benign for Hereditary spastic paraplegia 50. Last evaluated: 2021-07-14. Review status: criteria provided, single submitter. Criteria: ACMG Guidelines, 2015. Collection method: clinical testing. Allele origin: germline. Affected: no.

GeneDx
Classification: Benign. Last evaluated: 2018-06-14. Review status: criteria provided, single submitter. Criteria: GeneDx Variant Classification (06012015). Collection method: clinical testing. Allele origin: germline. Affected: yes.
Comment: This variant is considered likely benign or benign based on one or more of the following criteria: it is a conservative change, it occurs at a poorly conserved position in the protein, it is predicted to be benign by multiple in silico algorithms, and/or has population frequency not consistent with disease.

Genome Diagnostics Laboratory, The Hospital for Sick Children
Classification: Benign for Hereditary spastic paraplegia. Last evaluated: 2016-12-12. Review status: criteria provided, single submitter. Criteria: ACMG Guidelines, 2015. Collection method: clinical testing. Allele origin: germline. Affected: yes.

Breakthrough Genomics
Classification: Benign. Review status: criteria provided, single submitter. Criteria: ACMG Guidelines, 2015. Collection method: not provided. Allele origin: germline. Inheritance: Autosomal recessive inheritance. Affected: yes.

NM_004722.4(AP4M1):c.462+34G>A

Gene: AP4M1 (adaptor related protein complex 4 subunit mu 1; plus strand). Cytogenetic location: 7q22.1.
Variant type: single nucleotide variant.
Coding change: c.462+34G>A on transcript NM_004722.4 (MANE Select); 34 bases into the intron after coding-DNA position 462, G replaced by A.
Molecular consequence: intron variant.
Genome position (GRCh38, 1-based): chr7:100,103,553, G>A. VCF-style: chr7-100103553-G-A. GRCh37 (hg19) VCF-style: chr7-99701176-G-A.
Other names: c.483+34G>A (NM_001363671.2).
Identifiers: ClinVar variation 678005 (VCV000678005.16), dbSNP rs999885, ClinGen allele CA4374625.